The following is an entry in ClinVar:

ClinVar aggregate classification (germline): Uncertain significance. Review status: criteria provided, single submitter (1 of 4 stars). 2 submissions from 2 submitters: Uncertain significance (1). 1 of the submissions does not count toward it. Last evaluated 2025-06-09.

Conditions:
ALDH18A1-related disorder. Also called: ALDH18A1-related disorders.
Cutis laxa, autosomal dominant 3 (ADCL3). Identifiers: Orphanet 90348, MedGen C4225268, MONDO:0014706, OMIM 616603.
Autosomal dominant spastic paraplegia type 9. Identifiers: MedGen C1832669, MONDO:0015091.
de Barsy syndrome. Also called: Cutis laxa-corneal clouding-oligophrenia syndrome. Identifiers: Orphanet 2962, MedGen C0268354, MONDO:0017569.

Submissions (2):

Labcorp Genetics (formerly Invitae), Labcorp
Classification: Uncertain significance for Autosomal dominant spastic paraplegia type 9; de Barsy syndrome; Cutis laxa, autosomal dominant 3. Last evaluated: 2025-06-09. Review status: criteria provided, single submitter. Criteria: Invitae Variant Classification Sherloc (09022015). Collection method: clinical testing. Allele origin: germline.
Comment: This sequence change replaces histidine, which is basic and polar, with tyrosine, which is neutral and polar, at codon 777 of the ALDH18A1 protein (p.His777Tyr). This variant is not present in population databases (gnomAD no frequency). This variant has not been reported in the literature in individuals affected with ALDH18A1-related conditions. ClinVar contains an entry for this variant (Variation ID: 1417490). An algorithm developed to predict the effect of missense changes on protein structure and function (PolyPhen-2) suggests that this variant is likely to be tolerated. Algorithms developed to predict the effect of sequence changes on RNA splicing suggest that this variant may create or strengthen a splice site. In summary, the available evidence is currently insufficient to determine the role of this variant in disease. Therefore, it has been classified as a Variant of Uncertain Significance.

PreventionGenetics, part of Exact Sciences
Classification: Uncertain significance for ALDH18A1-related condition. Last evaluated: 2024-07-03. Review status: no assertion criteria provided. Collection method: clinical testing. Allele origin: germline. Not counted in ClinVar's aggregate classification.
Comment: The ALDH18A1 c.2329C>T variant is predicted to result in the amino acid substitution p.His777Tyr. To our knowledge, this variant has not been reported in the literature or in a large population database, indicating this variant is rare. At this time, the clinical significance of this variant is uncertain due to the absence of conclusive functional and genetic evidence.

NM_002860.4(ALDH18A1):c.2329C>T (p.His777Tyr)

Gene: ALDH18A1 (aldehyde dehydrogenase 18 family member A1; minus strand). Cytogenetic location: 10q24.1.
Variant type: single nucleotide variant.
Coding change: c.2329C>T on transcript NM_002860.4 (MANE Select); coding-DNA position 2329, C replaced by T.
Protein change: p.His777Tyr; replaces histidine 777 with tyrosine.
Molecular consequence: missense variant.
Genome position (GRCh38, 1-based): chr10:95,606,821, G>A on the plus strand (C>T on the coding strand, the complement: ALDH18A1 is on the minus strand). VCF-style: chr10-95606821-G-A. GRCh37 (hg19) VCF-style: chr10-97366578-G-A.
Other names: c.2323C>T, p.His775Tyr (NM_001017423.2, NM_001323415.2); c.1996C>T, p.His666Tyr (NM_001323412.2, NM_001323416.2); c.2329C>T, p.His777Tyr (NM_001323413.2, NM_001323414.2); c.2224C>T, p.His742Tyr (NM_001323417.2); c.1990C>T, p.His664Tyr (NM_001323418.2); c.1693C>T, p.His565Tyr (NM_001323419.2); c.2329C>T (NM_002860.3); short protein forms H565Y, H666Y, H742Y, H775Y, H777Y, H664Y.
Identifiers: ClinVar variation 1417490 (VCV001417490.7), dbSNP rs553385013, ClinGen allele CA377698917.